The following is an entry in ClinVar:

ClinVar aggregate classification (germline): Uncertain significance. Review status: criteria provided, multiple submitters, no conflicts (2 of 4 stars). 2 submissions from 2 submitters: Uncertain significance (2). Last evaluated 2024-10-29.

Conditions:
Inborn genetic diseases. Identifiers: MedGen C0950123, MeSH D030342.

gnomAD v4.1: 24 of 1,597,912 alleles (0.0015%); highest among the groups gnomAD compares: Non-Finnish European, 0.002%; no homozygotes.

Submissions (2):

Labcorp Genetics (formerly Invitae), Labcorp
Classification: Uncertain significance. Last evaluated: 2024-10-29. Review status: criteria provided, single submitter. Criteria: Invitae Variant Classification Sherloc (09022015). Collection method: clinical testing. Allele origin: germline.
Comment: This sequence change replaces histidine, which is basic and polar, with arginine, which is basic and polar, at codon 602 of the FOCAD protein (p.His602Arg). This variant is present in population databases (rs754854567, gnomAD 0.006%). This variant has not been reported in the literature in individuals affected with FOCAD-related conditions. Experimental studies and prediction algorithms are not available or were not evaluated, and the functional significance of this variant is currently unknown. In summary, the available evidence is currently insufficient to determine the role of this variant in disease. Therefore, it has been classified as a Variant of Uncertain Significance.

Ambry Genetics
Classification: Uncertain significance for Inborn genetic diseases. Last evaluated: 2024-05-20. Review status: criteria provided, single submitter. Criteria: Ambry Variant Classification Scheme 2023. Collection method: clinical testing. Allele origin: germline.

NM_001375567.1(FOCAD):c.1805A>G (p.His602Arg)

Gene: FOCAD (focadhesin; plus strand). Cytogenetic location: 9p21.3.
Variant type: single nucleotide variant.
Coding change: c.1805A>G on transcript NM_001375567.1 (MANE Select); coding-DNA position 1805, A replaced by G.
Protein change: p.His602Arg; replaces histidine 602 with arginine.
Molecular consequence: missense variant.
Genome position (GRCh38, 1-based): chr9:20,823,000, A>G. VCF-style: chr9-20823000-A-G. GRCh37 (hg19) VCF-style: chr9-20822999-A-G.
Other names: c.1700A>G, p.His567Arg (NM_001375568.1, NM_001375570.1); c.1805A>G, p.His602Arg (NM_017794.5); short protein forms H602R, H567R.
Identifiers: ClinVar variation 3279449 (VCV003279449.3).